The following is an entry in ClinVar:

ClinVar aggregate classification (germline): Conflicting classifications of pathogenicity. Review status: criteria provided, conflicting classifications (1 of 4 stars). 3 submissions from 3 submitters: Uncertain significance (2); Likely benign (1). Last evaluated 2025-02-16.

Allele frequency attached by ClinVar (database versions not stated): gnomAD exomes 0.00003; ExAC 0.00010; gnomAD 0.00020; TOPMed 0.00022; ESP Exome Variant Server 0.00046.
gnomAD v4.1: 74 of 1,614,038 alleles (0.0046%); highest among the groups gnomAD compares: African/African-American, 0.061%; no homozygotes.

Submissions (3):

Laboratory of Genetics, Children's Clinical University Hospital Latvia
Classification: Likely benign. Last evaluated: 2025-02-16. Review status: criteria provided, single submitter. Criteria: ACMG Guidelines, 2015. Collection method: clinical testing. Allele origin: germline. Affected: yes.

Labcorp Genetics (formerly Invitae), Labcorp
Classification: Uncertain significance. Last evaluated: 2024-12-25. Review status: criteria provided, single submitter. Criteria: Invitae Variant Classification Sherloc (09022015). Collection method: clinical testing. Allele origin: germline.
Comment: This sequence change replaces threonine, which is neutral and polar, with methionine, which is neutral and non-polar, at codon 98 of the ARHGEF10 protein (p.Thr98Met). This variant is present in population databases (rs139804042, gnomAD 0.06%), and has an allele count higher than expected for a pathogenic variant. This variant has not been reported in the literature in individuals affected with ARHGEF10-related conditions. ClinVar contains an entry for this variant (Variation ID: 2354497). An algorithm developed to predict the effect of missense changes on protein structure and function (PolyPhen-2) suggests that this variant is likely to be disruptive. In summary, the available evidence is currently insufficient to determine the role of this variant in disease. Therefore, it has been classified as a Variant of Uncertain Significance.

Ambry Genetics
Classification: Uncertain significance. Last evaluated: 2021-09-16. Review status: criteria provided, single submitter. Criteria: Ambry Variant Classification Scheme 2023. Collection method: clinical testing. Allele origin: germline.

NM_014629.4(ARHGEF10):c.293C>T (p.Thr98Met)

Gene: ARHGEF10 (Rho guanine nucleotide exchange factor 10; plus strand). Cytogenetic location: 8p23.3.
Variant type: single nucleotide variant.
Coding change: c.293C>T on transcript NM_014629.4 (MANE Select); coding-DNA position 293, C replaced by T.
Protein change: p.Thr98Met; replaces threonine 98 with methionine.
Molecular consequence: missense variant.
Genome position (GRCh38, 1-based): chr8:1,859,996, C>T. VCF-style: chr8-1859996-C-T. GRCh37 (hg19) VCF-style: chr8-1808162-C-T.
Other names: c.293C>T, p.Thr98Met (NM_001308152.2, NM_001308153.3); short protein forms T98M, T122M.
Identifiers: ClinVar variation 2354497 (VCV002354497.5), dbSNP rs139804042, ClinGen allele CA4599709.
Genomic context (GRCh38, chr8:1,859,996, plus strand): 5'-CAGAGCCTACTAAGCTGGTGCTCCCGATGAAAGTCAACCCATATTCTGTCATCGACATCA[C>T]GCCATTCCAGGAGGACCAGCCGCCCACCCCCGTGCCCAGCGCTGAGGAGGAGAATGTGGG-3'
Protein context (NP_055444.2, residues 88-108): KVNPYSVIDI[Thr98Met]PFQEDQPPTP